The following is an entry in ClinVar:

ClinVar aggregate classification (germline): Uncertain significance. Review status: criteria provided, multiple submitters, no conflicts (2 of 4 stars). 2 submissions from 2 submitters: Uncertain significance (2). Last evaluated 2024-12-20.

Conditions:
Inborn genetic diseases. Identifiers: MedGen C0950123, MeSH D030342.
Fanconi anemia (FA). Also called: Fanconi's anemia. Identifiers: Orphanet 84, MedGen C0015625, MeSH D005199, MONDO:0019391.

Allele frequency attached by ClinVar (database versions not stated): TOPMed below 0.00001; gnomAD 0.00001; ExAC 0.00002.
gnomAD v4.1: 2 of 1,611,800 alleles (0.00012%); highest among the groups gnomAD compares: Non-Finnish European, 0.00017%; no homozygotes.

Submissions (2):

Ambry Genetics
Classification: Uncertain significance for Inborn genetic diseases. Last evaluated: 2024-12-20. Review status: criteria provided, single submitter. Criteria: Ambry Variant Classification Scheme 2023. Collection method: clinical testing. Allele origin: germline.

Labcorp Genetics (formerly Invitae), Labcorp
Classification: Uncertain significance for Fanconi anemia. Last evaluated: 2022-03-25. Review status: criteria provided, single submitter. Criteria: Invitae Variant Classification Sherloc (09022015). Collection method: clinical testing. Allele origin: germline.
Comment: This sequence change replaces leucine, which is neutral and non-polar, with valine, which is neutral and non-polar, at codon 1256 of the FANCA protein (p.Leu1256Val). This variant is present in population databases (rs769459548, gnomAD 0.002%). This variant has not been reported in the literature in individuals affected with FANCA-related conditions. Algorithms developed to predict the effect of missense changes on protein structure and function output the following: SIFT: "Tolerated"; PolyPhen-2: "Possibly Damaging"; Align-GVGD: "Class C0". The valine amino acid residue is found in multiple mammalian species, which suggests that this missense change does not adversely affect protein function. Algorithms developed to predict the effect of sequence changes on RNA splicing suggest that this variant may create or strengthen a splice site. In summary, the available evidence is currently insufficient to determine the role of this variant in disease. Therefore, it has been classified as a Variant of Uncertain Significance.

NM_000135.4(FANCA):c.3766C>G (p.Leu1256Val)

Genes: FANCA (FA complementation group A; minus strand), ZNF276 (zinc finger protein 276; plus strand). Cytogenetic location: 16q24.3.
Variant type: single nucleotide variant.
Coding change: c.3766C>G on transcript NM_000135.4 (MANE Select); coding-DNA position 3766, C replaced by G.
Protein change: p.Leu1256Val; replaces leucine 1256 with valine.
Molecular consequence: missense variant. On other transcripts: 3 prime UTR variant (2), non-coding transcript variant (4).
Genome position (GRCh38, 1-based): chr16:89,740,866, G>C on the plus strand (C>G on the coding strand, the complement: FANCA is on the minus strand). VCF-style: chr16-89740866-G-C. GRCh37 (hg19) VCF-style: chr16-89807274-G-C.
Other names: c.3766C>G, p.Leu1256Val (NM_001286167.3); c.*2620G>C (NM_001113525.2, NM_152287.4); short protein forms L1256V.
Identifiers: ClinVar variation 2058188 (VCV002058188.3), dbSNP rs769459548, ClinGen allele CA8250966.